The following is an entry in ClinVar:

ClinVar aggregate classification (germline): Likely pathogenic (0 of 4 stars; one submission).

Conditions:
RET-related disorder. Also called: RET-related disorders; RET-related condition; RET-related disease.

Submission:

PreventionGenetics, part of Exact Sciences
Classification: Likely pathogenic for RET-related condition. Last evaluated: 2024-01-31. Review status: no assertion criteria provided. Collection method: clinical testing. Allele origin: germline.
Comment: The RET c.1971_1978del8 variant is predicted to result in a frameshift and premature protein termination (p.His658Profs*13). To our knowledge, this variant has not been reported in the literature or in a large population database, indicating this variant is rare. Frameshift variants in RET are expected to be pathogenic. This variant is interpreted as likely pathogenic.

NM_020975.6(RET):c.1971_1978del (p.His658fs)

Gene: RET (ret proto-oncogene; plus strand). Cytogenetic location: 10q11.21.
Variant type: Deletion.
Coding change: c.1971_1978del on transcript NM_020975.6 (MANE Select); coding-DNA positions 1971 to 1978, 8 bases deleted (CCACTGCT; older notation c.1971_1978delCCACTGCT).
Protein change: p.His658fs; shifts the reading frame from histidine 658.
Molecular consequence: frameshift variant. On other transcripts: intron variant (4).
Genome position (GRCh38, 1-based): chr10:43,114,571-43,114,578, CCACTGCT deleted; deleting any 8 consecutive bases within chr10:43,114,570-43,114,578 gives the same sequence; the c. name uses the placement nearest the transcript's 3' end. VCF-style (leftmost placement, unchanged base first): chr10-43114569-ATCCACTGC-A. GRCh37 (hg19) VCF-style: chr10-43610017-ATCCACTGC-A.
Other names: c.1971_1978delCCACTGCT, p.His658Profs (NM_000323.2, NM_020629.2); c.1209_1216del, p.His404fs (NM_001355216.2); c.1971_1978del, p.His658fs (NM_001406743.1, NM_001406744.1, NM_001406759.1 and 2 more transcripts); c.1842_1849del, p.His615fs (NM_001406761.1, NM_001406762.1, NM_001406764.1); c.1683_1690del, p.His562fs (NM_001406766.1, NM_001406767.1, NM_001406770.1); c.1575_1582del, p.His526fs (NM_001406769.1, NM_001406772.1); c.1533_1540del, p.His512fs (NM_001406771.1, NM_001406773.1); c.1446_1453del, p.His483fs (NM_001406774.1); and 12 more; short protein forms H175fs, H223fs, H263fs, H316fs, H319fs, H328fs, H359fs, H404fs.
Identifiers: ClinVar variation 3061203 (VCV003061203.2), dbSNP rs2538496650, ClinGen allele CA2740092981.